The following is an entry in ClinVar:

ClinVar aggregate classification (germline): Uncertain significance (1 of 4 stars; one submission).

Allele frequency attached by ClinVar (database versions not stated): ExAC 0.00001.
gnomAD v4.1: 4 of 1,610,098 alleles (0.00025%); highest among the groups gnomAD compares: East Asian, 0.0067%; no homozygotes.

Submission:

Labcorp Genetics (formerly Invitae), Labcorp
Classification: Uncertain significance. Last evaluated: 2025-04-28. Review status: criteria provided, single submitter. Criteria: Invitae Variant Classification Sherloc (09022015). Collection method: clinical testing. Allele origin: germline.
Comment: This sequence change replaces proline, which is neutral and non-polar, with alanine, which is neutral and non-polar, at codon 339 of the MNX1 protein (p.Pro339Ala). This variant is present in population databases (rs778433576, gnomAD 0.006%). This variant has not been reported in the literature in individuals affected with MNX1-related conditions. ClinVar contains an entry for this variant (Variation ID: 1934218). An algorithm developed to predict the effect of missense changes on protein structure and function outputs the following: PolyPhen-2: "Benign". The alanine amino acid residue is found in multiple mammalian species, which suggests that this missense change does not adversely affect protein function. In summary, the available evidence is currently insufficient to determine the role of this variant in disease. Therefore, it has been classified as a Variant of Uncertain Significance.

NM_005515.4(MNX1):c.1015C>G (p.Pro339Ala)

Gene: MNX1 (motor neuron and pancreas homeobox 1; minus strand). Cytogenetic location: 7q36.3.
Variant type: single nucleotide variant.
Coding change: c.1015C>G on transcript NM_005515.4 (MANE Select); coding-DNA position 1015, C replaced by G.
Protein change: p.Pro339Ala; replaces proline 339 with alanine.
Molecular consequence: missense variant.
Genome position (GRCh38, 1-based): chr7:157,005,711, G>C on the plus strand (C>G on the coding strand, the complement: MNX1 is on the minus strand). VCF-style: chr7-157005711-G-C. GRCh37 (hg19) VCF-style: chr7-156798405-G-C.
Other names: c.379C>G, p.Pro127Ala (NM_001165255.2); short protein forms P127A, P339A.
Identifiers: ClinVar variation 1934218 (VCV001934218.5), dbSNP rs778433576, ClinGen allele CA4589134.